The following is an entry in ClinVar:

NM_001378452.1(ITPR1):c.5083G>A (p.Asp1695Asn)

Genes: BRRIAR (BHLHE40 and RIG-I regulating ITPR1 antisense RNA; minus strand), ITPR1 (inositol 1,4,5-trisphosphate receptor type 1; plus strand). Cytogenetic location: 3p26.1.
Variant type: single nucleotide variant.
Coding change: c.5083G>A on transcript NM_001378452.1 (MANE Select); coding-DNA position 5083, G replaced by A.
Protein change: p.Asp1695Asn; replaces aspartic acid 1695 with asparagine.
Molecular consequence: missense variant.
Genome position (GRCh38, 1-based): chr3:4,711,848, G>A. VCF-style: chr3-4711848-G-A. GRCh37 (hg19) VCF-style: chr3-4753532-G-A.
Other names: c.5056G>A, p.Asp1686Asn (NM_001099952.4); c.5038G>A, p.Asp1680Asn (NM_001168272.2); c.5011G>A, p.Asp1671Asn (NM_002222.7); short protein forms D1671N, D1680N, D1686N, D1695N.
Identifiers: ClinVar variation 1198200 (VCV001198200.14), dbSNP rs371186107, ClinGen allele CA2232160.

ClinVar aggregate classification (germline): Conflicting classifications of pathogenicity. Review status: criteria provided, conflicting classifications (1 of 4 stars). 3 submissions from 3 submitters: Uncertain significance (2); Likely benign (1). Last evaluated 2026-01-01.

Conditions:
Inborn genetic diseases. Identifiers: MedGen C0950123, MeSH D030342.

Allele frequency attached by ClinVar (database versions not stated): gnomAD exomes 0.00006; ESP Exome Variant Server 0.00009; ExAC 0.00013; 1000 Genomes Project 0.00020; gnomAD 0.00024 and 0.00026; 1000 Genomes Project 30x 0.00031; TOPMed 0.00031.
gnomAD v4.1: 72 of 1,520,842 alleles (0.0047%); highest among the groups gnomAD compares: African/African-American, 0.075%; no homozygotes.

Submissions (3):

Labcorp Genetics (formerly Invitae), Labcorp
Classification: Likely benign. Last evaluated: 2026-01-01. Review status: criteria provided, single submitter. Criteria: Invitae Variant Classification Sherloc (09022015). Collection method: clinical testing. Allele origin: germline.

GeneDx
Classification: Uncertain significance. Last evaluated: 2025-07-15. Review status: criteria provided, single submitter. Criteria: GeneDx Variant Classification Process June 2021. Collection method: clinical testing. Allele origin: germline. Affected: yes.
Comment: In silico analysis supports that this missense variant has a deleterious effect on protein structure/function; Has not been previously published as pathogenic or benign to our knowledge

Ambry Genetics
Classification: Uncertain significance for Inborn genetic diseases. Last evaluated: 2025-02-13. Review status: criteria provided, single submitter. Criteria: Ambry Variant Classification Scheme 2023. Collection method: clinical testing. Allele origin: germline.
Comment: Unlikely to be causative of ITPR1-related spinocerebellar ataxia (AD), ITPR1-related congenital non-progressive spinocerebellar ataxia (AD), and Gillespie syndrome (AD) Based on insufficient or conflicting evidence, the clinical significance of this alteration remains unclear.